The following is an entry in ClinVar:

NM_206943.4(LTBP1):c.3144C>T (p.Cys1048=)

Gene: LTBP1 (latent transforming growth factor beta binding protein 1; plus strand). Cytogenetic location: 2p22.3.
Variant type: single nucleotide variant.
Coding change: c.3144C>T on transcript NM_206943.4 (MANE Select); coding-DNA position 3144, C replaced by T.
Protein change: p.Cys1048=; no amino-acid change (cysteine 1048 retained).
Molecular consequence: synonymous variant.
Genome position (GRCh38, 1-based): chr2:33,293,191, C>T. VCF-style: chr2-33293191-C-T. GRCh37 (hg19) VCF-style: chr2-33518258-C-T.
Other names: c.3144C>T (NM_206943.2); c.2166C>T, p.Cys722= (NM_000627.4, NM_001166264.2, NM_001394912.1 and 1 more transcripts); c.2007C>T, p.Cys669= (NM_001166265.2, NM_001166266.2, NM_001394925.1); c.2985C>T, p.Cys995= (NM_001394905.1); c.2163C>T, p.Cys721= (NM_001394906.1, NM_001394910.1, NM_001394919.1); c.2079C>T, p.Cys693= (NM_001394907.1); c.2046C>T, p.Cys682= (NM_001394908.1); c.2040C>T, p.Cys680= (NM_001394909.1, NM_001394917.1); and 7 more.
Identifiers: ClinVar variation 3905031 (VCV003905031.11).

ClinVar aggregate classification (germline): Likely benign. Review status: criteria provided, multiple submitters, no conflicts (2 of 4 stars). 2 submissions from 2 submitters: Likely benign (2). Last evaluated 2026-03-01.

Conditions:
LTBP1-related disorder. Also called: LTBP1-related condition.

gnomAD v4.1: 1,579 of 1,613,952 alleles (0.098%); highest among the groups gnomAD compares: Non-Finnish European, 0.12%; 2 homozygotes.

Submissions (2):

CeGaT Center for Human Genetics Tuebingen
Classification: Likely benign. Last evaluated: 2026-03-01. Review status: criteria provided, single submitter. Criteria: CeGaT Center For Human Genetics Tuebingen Variant Classification Criteria Version 2. Collection method: clinical testing. Allele origin: germline. Affected: yes. Observed: 2 variant alleles.
Comment: LTBP1: BP4, BP7

PreventionGenetics, part of Exact Sciences
Classification: Likely benign for LTBP1-related condition. Last evaluated: 2025-06-02. Review status: criteria provided, single submitter. Criteria: ACMG Guidelines, 2015. Collection method: clinical testing. Allele origin: germline.
Comment: This variant is classified as likely benign based on ACMG/AMP sequence variant interpretation guidelines (Richards et al. 2015 PMID: 25741868, with internal and published modifications).